The following is an entry in ClinVar:

NM_001082971.2(DDC):c.854G>A (p.Arg285Gln)

Gene: DDC (dopa decarboxylase; minus strand). Cytogenetic location: 7p12.2.
Variant type: single nucleotide variant.
Coding change: c.854G>A on transcript NM_001082971.2 (MANE Select); coding-DNA position 854, G replaced by A.
Protein change: p.Arg285Gln; replaces arginine 285 with glutamine.
Molecular consequence: missense variant.
Genome position (GRCh38, 1-based): chr7:50,499,170, C>T on the plus strand (G>A on the coding strand, the complement: DDC is on the minus strand). VCF-style: chr7-50499170-C-T. GRCh37 (hg19) VCF-style: chr7-50566868-C-T.
Other names: c.854G>A (NM_000790.3); c.854G>A, p.Arg285Gln (NM_000790.4, NM_001242890.2); c.740G>A, p.Arg247Gln (NM_001242886.2); c.710G>A, p.Arg237Gln (NM_001242887.2); c.620G>A, p.Arg207Gln (NM_001242888.2); c.575G>A, p.Arg192Gln (NM_001242889.2); short protein forms R192Q, R207Q, R237Q, R247Q, R285Q.
Identifiers: ClinVar variation 1006936 (VCV001006936.6), dbSNP rs573103547, ClinGen allele CA4262223.

ClinVar aggregate classification (germline): Uncertain significance. Review status: criteria provided, multiple submitters, no conflicts (2 of 4 stars). 3 submissions from 3 submitters: Uncertain significance (3). Last evaluated 2025-03-20.

Conditions:
Inborn genetic diseases. Identifiers: MedGen C0950123, MeSH D030342.
Deficiency of aromatic-L-amino-acid decarboxylase. Also called: Aromatic amino acid decarboxylase deficiency; Aromatic L-Amino Acid Decarboxylase Deficiency; AADC DEFICIENCY; DDC DEFICIENCY; DOPA DECARBOXYLASE DEFICIENCY. Identifiers: Orphanet 35708, MedGen C1291564, MONDO:0012084, OMIM 608643.

Allele frequency attached by ClinVar (database versions not stated): gnomAD 0.00015 and 0.00016; TOPMed 0.00017.

Submissions (3):

GeneDx
Classification: Uncertain significance. Last evaluated: 2025-03-20. Review status: criteria provided, single submitter. Criteria: GeneDx Variant Classification Process June 2021. Collection method: clinical testing. Allele origin: germline. Affected: yes.
Comment: In silico analysis supports that this missense variant has a deleterious effect on protein structure/function; Reported in two individuals with ADHD (PMID: 33671795); This variant is associated with the following publications: (PMID: 33671795, 36427457)

Ambry Genetics
Classification: Uncertain significance for Inborn genetic diseases. Last evaluated: 2025-01-27. Review status: criteria provided, single submitter. Criteria: Ambry Variant Classification Scheme 2023. Collection method: clinical testing. Allele origin: germline.

Labcorp Genetics (formerly Invitae), Labcorp
Classification: Uncertain significance for Deficiency of aromatic-L-amino-acid decarboxylase. Last evaluated: 2022-08-23. Review status: criteria provided, single submitter. Criteria: Invitae Variant Classification Sherloc (09022015). Collection method: clinical testing. Allele origin: germline.
Comment: This sequence change replaces arginine, which is basic and polar, with glutamine, which is neutral and polar, at codon 285 of the DDC protein (p.Arg285Gln). This variant is present in population databases (rs573103547, gnomAD 0.03%). This variant has not been reported in the literature in individuals affected with DDC-related conditions. ClinVar contains an entry for this variant (Variation ID: 1006936). Algorithms developed to predict the effect of missense changes on protein structure and function (SIFT, PolyPhen-2, Align-GVGD) all suggest that this variant is likely to be disruptive. Algorithms developed to predict the effect of sequence changes on RNA splicing suggest that this variant may create or strengthen a splice site. This variant disrupts the p.Arg285 amino acid residue in DDC. Other variant(s) that disrupt this residue have been determined to be pathogenic (PMID: 17533144, 24865461). This suggests that this residue is clinically significant, and that variants that disrupt this residue are likely to be disease-causing. In summary, the available evidence is currently insufficient to determine the role of this variant in disease. Therefore, it has been classified as a Variant of Uncertain Significance.

Literature cited by the submitters: PubMed 17533144 (cited by Labcorp Genetics (formerly Invitae), Labcorp); PubMed 24865461 (cited by Labcorp Genetics (formerly Invitae), Labcorp).